The following is an entry in ClinVar:

ClinVar aggregate classification (germline): Conflicting classifications of pathogenicity. Review status: criteria provided, conflicting classifications (1 of 4 stars). 3 submissions from 3 submitters: Pathogenic (1); Likely pathogenic (1); Likely benign (1). Last evaluated 2026-05-12.

Conditions:
Cardiovascular phenotype. Identifiers: MedGen CN230736.
Osteogenesis imperfecta type I (OI1). Also called: OI, TYPE I; OSTEOGENESIS IMPERFECTA TARDA; OSTEOGENESIS IMPERFECTA WITH BLUE SCLERAE; Osteogenesis imperfecta type 1; Lobstein's Disease; Lobstein disease. Identifiers: Orphanet 216796, Orphanet 666, MedGen C0023931, MONDO:0008146, OMIM 166200. Disease mechanism: loss of function.

Allele frequency attached by ClinVar (database versions not stated): gnomAD 0.00001; gnomAD exomes 0.00003; TOPMed 0.00001; ExAC 0.00013.
gnomAD v4.1: 44 of 1,578,600 alleles (0.0028%); highest among the groups gnomAD compares: Non-Finnish European, 0.0033%; no homozygotes.

Submissions (3):

Ambry Genetics
Classification: Likely benign for Cardiovascular phenotype. Last evaluated: 2026-05-12. Review status: criteria provided, single submitter. Criteria: Ambry Variant Classification Scheme 2023. Collection method: clinical testing. Allele origin: germline.

Labcorp Genetics (formerly Invitae), Labcorp
Classification: Pathogenic for Osteogenesis imperfecta type I. Last evaluated: 2025-10-19. Review status: criteria provided, single submitter. Criteria: Invitae Variant Classification Sherloc (09022015). Collection method: clinical testing. Allele origin: germline.
Comment: This sequence change affects a donor splice site in intron 16 of the COL1A1 gene. It is expected to disrupt RNA splicing. Variants that disrupt the donor or acceptor splice site typically lead to a loss of protein function (PMID: 16199547), and loss-of-function variants in COL1A1 are known to be pathogenic (PMID: 7942841, 9295084, 9443882). This variant is present in population databases (rs750203677, gnomAD 0.008%). Disruption of this splice site has been observed in individual(s) with osteogenesis imperfecta (PMID: 30886339). ClinVar contains an entry for this variant (Variation ID: 1778492). Algorithms developed to predict the effect of sequence changes on RNA splicing suggest that this variant may disrupt the consensus splice site. For these reasons, this variant has been classified as Pathogenic.

GeneDx
Classification: Likely pathogenic. Last evaluated: 2024-07-21. Review status: criteria provided, single submitter. Criteria: GeneDx Variant Classification Process June 2021. Collection method: clinical testing. Allele origin: germline. Affected: yes.
Comment: Damages or destroys the splice donor site in intron 16, and is expected to cause abnormal gene splicing; if the splice outcome is exon skip, the loss of the encoded residues in the triple helical region is expected to disrupt normal protein folding and function, and this is an established mechanism of disease (HGMD); Reported in a patient with a clinical diagnosis of osteogenesis imperfecta (OI) in published literature; however, detailed clinical information was not provided (PMID: 37079061); This variant is associated with the following publications: (PMID: 33726816, 37079061)

Literature cited by the submitters: PubMed 37079061 (cited by Ambry Genetics); PubMed 16199547 (cited by Labcorp Genetics (formerly Invitae), Labcorp); PubMed 7942841 (cited by Labcorp Genetics (formerly Invitae), Labcorp); PubMed 9295084 (cited by Labcorp Genetics (formerly Invitae), Labcorp); PubMed 9443882 (cited by Labcorp Genetics (formerly Invitae), Labcorp); PubMed 30886339 (cited by Labcorp Genetics (formerly Invitae), Labcorp).

NM_000088.4(COL1A1):c.1056+2T>C

Gene: COL1A1 (collagen type I alpha 1 chain; minus strand). Cytogenetic location: 17q21.33.
Variant type: single nucleotide variant.
Coding change: c.1056+2T>C on transcript NM_000088.4 (MANE Select); the canonical splice donor site of the intron after coding-DNA position 1056, T replaced by C.
Molecular consequence: splice donor variant.
Genome position (GRCh38, 1-based): chr17:50,195,921, A>G on the plus strand (T>C on the coding strand, the complement: COL1A1 is on the minus strand). VCF-style: chr17-50195921-A-G. GRCh37 (hg19) VCF-style: chr17-48273282-A-G.
Identifiers: ClinVar variation 1778492 (VCV001778492.7), dbSNP rs750203677, ClinGen allele CA8645421.